The following is an entry in ClinVar:

ClinVar aggregate classification (germline): Uncertain significance (1 of 4 stars; one submission).

Conditions:
Spastic paraplegia. Identifiers: MedGen C0037772, HP:0001258.

Allele frequency attached by ClinVar (database versions not stated): gnomAD exomes below 0.00001.
gnomAD v4.1: 1 of 1,614,154 alleles (0.000062%); highest among the groups gnomAD compares: South Asian, 0.0011%; no homozygotes.

Submission:

Labcorp Genetics (formerly Invitae), Labcorp
Classification: Uncertain significance for Spastic paraplegia. Last evaluated: 2019-08-07. Review status: criteria provided, single submitter. Criteria: Invitae Variant Classification Sherloc (09022015). Collection method: clinical testing. Allele origin: germline.
Comment: This sequence change replaces histidine with asparagine at codon 747 of the ZFYVE26 protein (p.His747Asn). The histidine residue is weakly conserved and there is a small physicochemical difference between histidine and asparagine. This variant is not present in population databases (ExAC no frequency). This variant has not been reported in the literature in individuals with ZFYVE26-related conditions. Algorithms developed to predict the effect of missense changes on protein structure and function (SIFT, PolyPhen-2, Align-GVGD) all suggest that this variant is likely to be tolerated, but these predictions have not been confirmed by published functional studies and their clinical significance is uncertain. In summary, the available evidence is currently insufficient to determine the role of this variant in disease. Therefore, it has been classified as a Variant of Uncertain Significance.

NM_015346.4(ZFYVE26):c.2239C>A (p.His747Asn)

Gene: ZFYVE26 (zinc finger FYVE-type containing 26; minus strand). Cytogenetic location: 14q24.1.
Variant type: single nucleotide variant.
Coding change: c.2239C>A on transcript NM_015346.4 (MANE Select); coding-DNA position 2239, C replaced by A.
Protein change: p.His747Asn; replaces histidine 747 with asparagine.
Molecular consequence: missense variant.
Genome position (GRCh38, 1-based): chr14:67,798,023, G>T on the plus strand (C>A on the coding strand, the complement: ZFYVE26 is on the minus strand). VCF-style: chr14-67798023-G-T. GRCh37 (hg19) VCF-style: chr14-68264740-G-T.
Other names: short protein forms H747N.
Identifiers: ClinVar variation 961622 (VCV000961622.1), dbSNP rs2039993133, ClinGen allele CA390174872.
Genomic context (GRCh38, chr14:67,798,023, plus strand): 5'-ATCTTTCTCCCTCTCCACCTTCTGGTCCCACCAGTTCCACCCTTCTCTCACCTGAACGAT[G>T]GTTGCTTGTCACCACCTTGTGTCTCCACTGGGCCTCAGAGACAACCTTGGAAAGTCGATG-3'
Protein context (NP_056161.2, residues 737-757): QWRHKVVTSN[His747Asn]RSEEQPSRRY